The following is an entry in ClinVar:

NM_001142730.3(KCTD1):c.815A>G (p.Glu272Gly)

Gene: KCTD1 (potassium channel tetramerization domain containing 1; minus strand). Cytogenetic location: 18q11.2.
Variant type: single nucleotide variant.
Coding change: c.815A>G on transcript NM_001142730.3 (MANE Select); coding-DNA position 815, A replaced by G.
Protein change: p.Glu272Gly; replaces glutamic acid 272 with glycine.
Molecular consequence: missense variant. On other transcripts: intron variant (5).
Genome position (GRCh38, 1-based): chr18:26,547,722, T>C on the plus strand (A>G on the coding strand, the complement: KCTD1 is on the minus strand). VCF-style: chr18-26547722-T-C. GRCh37 (hg19) VCF-style: chr18-24127686-T-C.
Other names: c.10-46472A>G (NM_001258222.3); c.-15-46472A>G (NM_198991.4); c.-16+2007A>G (NM_001258221.2); c.-16+1522A>G (NM_001351443.1); c.-16+1169A>G (NM_001136205.2); short protein forms E272G.
Identifiers: ClinVar variation 2635088 (VCV002635088.1), dbSNP rs2511003776, ClinGen allele CA2576476708.

ClinVar aggregate classification (germline): Uncertain significance (1 of 4 stars; one submission).

Conditions:
KCTD1-related disorder. Also called: KCTD1-related condition.

Submission:

PreventionGenetics, part of Exact Sciences
Classification: Uncertain significance for KCTD1-related condition. Last evaluated: 2022-10-28. Review status: criteria provided, single submitter. Criteria: ACMG Guidelines, 2015. Collection method: clinical testing. Allele origin: germline.
Comment: The KCTD1 c.815A>G variant is predicted to result in the amino acid substitution p.Glu272Gly. To our knowledge, this variant has not been reported in the literature or in a large population database, indicating this variant is rare. At this time, the clinical significance of this variant is uncertain due to the absence of conclusive functional and genetic evidence.